The following is an entry in ClinVar:

ClinVar aggregate classification (germline): Likely benign. Review status: criteria provided, multiple submitters, no conflicts (2 of 4 stars). 2 submissions from 2 submitters: Likely benign (2). Last evaluated 2025-02-01.

Conditions:
Autosomal dominant spastic paraplegia type 9. Identifiers: MedGen C1832669, MONDO:0015091.
Cutis laxa, autosomal dominant 3 (ADCL3). Identifiers: Orphanet 90348, MedGen C4225268, MONDO:0014706, OMIM 616603.
de Barsy syndrome. Also called: Cutis laxa-corneal clouding-oligophrenia syndrome. Identifiers: Orphanet 2962, MedGen C0268354, MONDO:0017569.

Allele frequency attached by ClinVar (database versions not stated): ExAC 0.00001; gnomAD 0.00001; gnomAD exomes 0.00001.
gnomAD v4.1: 14 of 1,614,010 alleles (0.00087%); highest among the groups gnomAD compares: Middle Eastern, 0.016%; no homozygotes.

Submissions (2):

CeGaT Center for Human Genetics Tuebingen
Classification: Likely benign. Last evaluated: 2025-02-01. Review status: criteria provided, single submitter. Criteria: CeGaT Center For Human Genetics Tuebingen Variant Classification Criteria Version 2. Collection method: clinical testing. Allele origin: germline. Affected: yes. Observed: 1 variant allele.
Comment: ALDH18A1: BP4, BP7

Labcorp Genetics (formerly Invitae), Labcorp
Classification: Likely benign for Autosomal dominant spastic paraplegia type 9; de Barsy syndrome; Cutis laxa, autosomal dominant 3. Last evaluated: 2024-01-08. Review status: criteria provided, single submitter. Criteria: Invitae Variant Classification Sherloc (09022015). Collection method: clinical testing. Allele origin: germline.

NM_002860.4(ALDH18A1):c.1320G>A (p.Leu440=)

Gene: ALDH18A1 (aldehyde dehydrogenase 18 family member A1; minus strand). Cytogenetic location: 10q24.1.
Variant type: single nucleotide variant.
Coding change: c.1320G>A on transcript NM_002860.4 (MANE Select); coding-DNA position 1320, G replaced by A.
Protein change: p.Leu440=; no amino-acid change (leucine 440 retained).
Molecular consequence: synonymous variant.
Genome position (GRCh38, 1-based): chr10:95,621,178, C>T on the plus strand (G>A on the coding strand, the complement: ALDH18A1 is on the minus strand). VCF-style: chr10-95621178-C-T. GRCh37 (hg19) VCF-style: chr10-97380935-C-T.
Other names: c.1314G>A, p.Leu438= (NM_001017423.2, NM_001323415.2); c.987G>A, p.Leu329= (NM_001323412.2, NM_001323416.2); c.1320G>A, p.Leu440= (NM_001323413.2, NM_001323414.2); c.1215G>A, p.Leu405= (NM_001323417.2); c.981G>A, p.Leu327= (NM_001323418.2); c.684G>A, p.Leu228= (NM_001323419.2).
Identifiers: ClinVar variation 1579685 (VCV001579685.21), dbSNP rs537092003, ClinGen allele CA5620351.
Genomic context (GRCh38, chr10:95,621,178, plus strand): 5'-GATTCGGGTGCGGCGCAAAACACGTCCCACGCTGTCCTGGGAGGAGGCTGCGATCTGTCG[C>T]AGACCGATGGCCAGGCTGTTCAATTTGGATGTGGAGAGGCTTAAACGTTTCAGCAGAGGA-3'
Protein context (NP_002851.2, residues 430-450): TSKLNSLAIG[Leu440=]RQIAASSQDS